The following is an entry in ClinVar:

NM_000222.3(KIT):c.2411G>A (p.Arg804Gln)

Gene: KIT (KIT proto-oncogene, receptor tyrosine kinase; plus strand). Cytogenetic location: 4q12.
Variant type: single nucleotide variant.
Coding change: c.2411G>A on transcript NM_000222.3 (MANE Select); coding-DNA position 2411, G replaced by A.
Protein change: p.Arg804Gln; replaces arginine 804 with glutamine.
Molecular consequence: missense variant.
Genome position (GRCh38, 1-based): chr4:54,733,119, G>A. VCF-style: chr4-54733119-G-A. GRCh37 (hg19) VCF-style: chr4-55599285-G-A.
Other names: c.2399G>A, p.Arg800Gln (NM_001093772.2, NM_001385292.1); c.2414G>A, p.Arg805Gln (NM_001385284.1); c.2408G>A, p.Arg803Gln (NM_001385285.1); c.2396G>A, p.Arg799Gln (NM_001385286.1); c.2402G>A, p.Arg801Gln (NM_001385288.1); c.2411G>A, p.Arg804Gln (NM_001385290.1); short protein forms R804Q, R800Q, R799Q, R801Q, R803Q, R805Q.
Identifiers: ClinVar variation 577278 (VCV000577278.16), dbSNP rs777616126, ClinGen allele CA2923772.

ClinVar aggregate classification (germline): Conflicting classifications of pathogenicity. Review status: criteria provided, conflicting classifications (1 of 4 stars). 4 submissions from 4 submitters: Uncertain significance (3); Likely benign (1). Last evaluated 2026-05-29.

Conditions:
Gastrointestinal stromal tumor. Also called: Gastrointestinal stromal tumor, somatic; Gastrointestinal stroma tumor. Identifiers: Orphanet 44890, MedGen C0238198, MeSH D046152, MONDO:0011719, OMIM 606764, HP:0100723.
Hereditary cancer-predisposing syndrome. Also called: Hereditary Cancer Syndrome; Tumor predisposition; Neoplastic Syndromes, Hereditary; Hereditary neoplastic syndrome. Identifiers: Orphanet 140162, MedGen C0027672, MeSH D009386, MONDO:0015356.

Allele frequency attached by ClinVar (database versions not stated): gnomAD 0.00001; gnomAD exomes 0.00001; ExAC 0.00002.
gnomAD v4.1: 16 of 1,610,372 alleles (0.00099%); highest among the groups gnomAD compares: East Asian, 0.0022%; no homozygotes.

Submissions (4):

Myriad Genetics, Inc.
Classification: Likely benign for Gastrointestinal stromal tumor. Last evaluated: 2026-05-29. Review status: criteria provided, single submitter. Criteria: Myriad Autosomal Dominant, Autosomal Recessive and X-Linked Classification Criteria (2023). Collection method: clinical testing. Allele origin: unknown.
Comment: This variant is considered likely benign. This variant has been observed at a population frequency that is significantly greater than expected given the associated disease prevalence and penetrance.

Labcorp Genetics (formerly Invitae), Labcorp
Classification: Uncertain significance for Gastrointestinal stromal tumor. Last evaluated: 2024-11-04. Review status: criteria provided, single submitter. Criteria: Invitae Variant Classification Sherloc (09022015). Collection method: clinical testing. Allele origin: germline.
Comment: This sequence change replaces arginine, which is basic and polar, with glutamine, which is neutral and polar, at codon 804 of the KIT protein (p.Arg804Gln). This variant is present in population databases (rs777616126, gnomAD 0.004%). This variant has not been reported in the literature in individuals affected with KIT-related conditions. ClinVar contains an entry for this variant (Variation ID: 577278). An algorithm developed to predict the effect of missense changes on protein structure and function (PolyPhen-2) suggests that this variant is likely to be disruptive. In summary, the available evidence is currently insufficient to determine the role of this variant in disease. Therefore, it has been classified as a Variant of Uncertain Significance.

Ambry Genetics
Classification: Uncertain significance for Hereditary cancer-predisposing syndrome. Last evaluated: 2024-08-30. Review status: criteria provided, single submitter. Criteria: Ambry Variant Classification Scheme 2023. Collection method: clinical testing. Allele origin: germline.
Comment: The p.R804Q variant (also known as c.2411G>A), located in coding exon 17 of the KIT gene, results from a G to A substitution at nucleotide position 2411. The arginine at codon 804 is replaced by glutamine, an amino acid with highly similar properties. This amino acid position is well conserved in available vertebrate species. In addition, the in silico prediction for this alteration is inconclusive. Since supporting evidence is limited at this time, the clinical significance of this alteration remains unclear.

Baylor Genetics
Classification: Uncertain significance for Gastrointestinal stromal tumor. Last evaluated: 2024-02-06. Review status: criteria provided, single submitter. Criteria: ACMG Guidelines, 2015. Collection method: clinical testing. Allele origin: unknown.